The following is an entry in ClinVar:

NM_018192.4(P3H2):c.794A>C (p.Tyr265Ser)

Gene: P3H2 (prolyl 3-hydroxylase 2; minus strand). Cytogenetic location: 3q28.
Variant type: single nucleotide variant.
Coding change: c.794A>C on transcript NM_018192.4 (MANE Select); coding-DNA position 794, A replaced by C.
Protein change: p.Tyr265Ser; replaces tyrosine 265 with serine.
Molecular consequence: missense variant.
Genome position (GRCh38, 1-based): chr3:189,994,123, T>G on the plus strand (A>C on the coding strand, the complement: P3H2 is on the minus strand). VCF-style: chr3-189994123-T-G. GRCh37 (hg19) VCF-style: chr3-189711912-T-G.
Other names: c.251A>C, p.Tyr84Ser (NM_001134418.2); short protein forms Y84S, Y265S.
Identifiers: ClinVar variation 1354750 (VCV001354750.8), dbSNP rs944347200, ClinGen allele CA355759299.

ClinVar aggregate classification (germline): Uncertain significance (1 of 4 stars; one submission).

gnomAD v4.1: 3 of 1,613,560 alleles (0.00019%); highest among the groups gnomAD compares: Admixed American, 0.0017%; no homozygotes.

Submission:

Labcorp Genetics (formerly Invitae), Labcorp
Classification: Uncertain significance. Last evaluated: 2021-03-27. Review status: criteria provided, single submitter. Criteria: Invitae Variant Classification Sherloc (09022015). Collection method: clinical testing. Allele origin: germline.
Comment: This sequence change replaces tyrosine with serine at codon 265 of the P3H2 protein (p.Tyr265Ser). The tyrosine residue is highly conserved and there is a large physicochemical difference between tyrosine and serine. This variant is not present in population databases (ExAC no frequency). In summary, the available evidence is currently insufficient to determine the role of this variant in disease. Therefore, it has been classified as a Variant of Uncertain Significance. Algorithms developed to predict the effect of missense changes on protein structure and function output the following: SIFT: "Tolerated"; PolyPhen-2: "Benign"; Align-GVGD: "Class C0". The serine amino acid residue is found in multiple mammalian species, suggesting that this missense change does not adversely affect protein function. These predictions have not been confirmed by published functional studies and their clinical significance is uncertain. This variant has not been reported in the literature in individuals with P3H2-related conditions.